The following is an entry in ClinVar:

ClinVar aggregate classification (germline): Uncertain significance (1 of 4 stars; one submission).

Conditions:
Vissers-Bodmer syndrome. Identifiers: MedGen C5436647, MONDO:0033618, OMIM 619033.

Submission:

Servicio de Genética Del Instituto Nacional de Salud Del Niño, Ministerio de Salud
Classification: Uncertain significance for Vissers-Bodmer syndrome. Last evaluated: 2024-11-18. Review status: criteria provided, single submitter. Criteria: ACMG Guidelines, 2015. Collection method: clinical testing. Allele origin: germline. Inheritance: Autosomal dominant inheritance.
Comment: The variant NM_016284.5:c.1042C>A, p.Leu348Met results in the substitution of leucine with methionine at position 348 in the protein. Leucine and methionine are both hydrophobic amino acids, but methionine contains a sulfur atom that could potentially impact the protein's stability or function differently. Based on ACMG/AMP guidelines, PM2 (absent in population databases), PP2 (in silico tools predict a damaging effect), and BP4 (functional studies support the effect on protein function), the variant is classified as uncertain significance.

NM_016284.5(CNOT1):c.1042C>A (p.Leu348Met)

Gene: CNOT1 (CCR4-NOT transcription complex subunit 1; minus strand). Cytogenetic location: 16q21.
Variant type: single nucleotide variant.
Coding change: c.1042C>A on transcript NM_016284.5 (MANE Select); coding-DNA position 1042, C replaced by A.
Protein change: p.Leu348Met; replaces leucine 348 with methionine.
Molecular consequence: missense variant. On other transcripts: non-coding transcript variant (1).
Genome position (GRCh38, 1-based): chr16:58,582,795, G>T on the plus strand (C>A on the coding strand, the complement: CNOT1 is on the minus strand). VCF-style: chr16-58582795-G-T. GRCh37 (hg19) VCF-style: chr16-58616699-G-T.
Other names: c.1042C>A, p.Leu348Met (NM_001265612.2, NM_206999.3); short protein forms L348M.
Identifiers: ClinVar variation 3381236 (VCV003381236.2).
Genomic context (GRCh38, chr16:58,582,795, plus strand): 5'-TCTTTGGACTATATCATTCAAATACCACAAATCAAAAATCATCATCACATATACTCACCA[G>T]TTCTTTAAGAACGTCAATCAAGACTTCTACATTCCATGTGTGTGCCTGTGCTCCATCACT-3'
Protein context (NP_057368.3, residues 338-358): VEVLIDVLKE[Leu348Met]NPSLNFKEVT